The following is an entry in ClinVar:

NM_138927.4(SON):c.508C>T (p.Pro170Ser)

Gene: SON (SON DNA and RNA binding protein; plus strand). Cytogenetic location: 21q22.11.
Variant type: single nucleotide variant.
Coding change: c.508C>T on transcript NM_138927.4 (MANE Select); coding-DNA position 508, C replaced by T.
Protein change: p.Pro170Ser; replaces proline 170 with serine.
Molecular consequence: missense variant. On other transcripts: non-coding transcript variant (1), intron variant (1).
Genome position (GRCh38, 1-based): chr21:33,549,739, C>T. VCF-style: chr21-33549739-C-T. GRCh37 (hg19) VCF-style: chr21-34922045-C-T.
Other names: c.508C>T, p.Pro170Ser (NM_001291411.2, NM_032195.3); c.244+3360C>T (NM_001291412.3); short protein forms P170S.
Identifiers: ClinVar variation 3686644 (VCV003686644.2).
Genomic context (GRCh38, chr21:33,549,739, plus strand): 5'-TTAGAATCTGATTCCTTTTTAAAGTTTGATTCTGAACCTTCAGCTGTGGCGCTGGAGCTT[C>T]CTACAAGAGCATTTGGCCCATCTGAGACCAATGAATCCCCTGCAGTTGTGCTAGAACCTC-3'
Protein context (NP_620305.3, residues 160-180): SEPSAVALEL[Pro170Ser]TRAFGPSETN

ClinVar aggregate classification (germline): Uncertain significance (1 of 4 stars; one submission).

gnomAD v4.1: 3 of 1,613,956 alleles (0.00019%); highest among the groups gnomAD compares: African/African-American, 0.0027%; no homozygotes.

Submission:

Labcorp Genetics (formerly Invitae), Labcorp
Classification: Uncertain significance. Last evaluated: 2024-04-24. Review status: criteria provided, single submitter. Criteria: Invitae Variant Classification Sherloc (09022015). Collection method: clinical testing. Allele origin: germline.
Comment: This sequence change replaces proline, which is neutral and non-polar, with serine, which is neutral and polar, at codon 170 of the SON protein (p.Pro170Ser). This variant is not present in population databases (gnomAD no frequency). This variant has not been reported in the literature in individuals affected with SON-related conditions. Algorithms developed to predict the effect of missense changes on protein structure and function output the following: SIFT: "Not Available"; PolyPhen-2: "Possibly Damaging"; Align-GVGD: "Not Available". The serine amino acid residue is found in multiple mammalian species, which suggests that this missense change does not adversely affect protein function. In summary, the available evidence is currently insufficient to determine the role of this variant in disease. Therefore, it has been classified as a Variant of Uncertain Significance.